The following is an entry in ClinVar:

NM_004360.5(CDH1):c.131G>A (p.Arg44His)

Gene: CDH1 (cadherin 1; plus strand). Cytogenetic location: 16q22.1.
Variant type: single nucleotide variant.
Coding change: c.131G>A on transcript NM_004360.5 (MANE Select); coding-DNA position 131, G replaced by A.
Protein change: p.Arg44His; replaces arginine 44 with histidine.
Molecular consequence: missense variant. On other transcripts: 5 prime UTR variant (2).
Genome position (GRCh38, 1-based): chr16:68,738,379, G>A. VCF-style: chr16-68738379-G-A. GRCh37 (hg19) VCF-style: chr16-68772282-G-A.
Other names: c.131G>A, p.Arg44His (NM_001317184.2); c.-1485G>A (NM_001317185.2); c.-1689G>A (NM_001317186.2); short protein forms R44H.
Identifiers: ClinVar variation 1320443 (VCV001320443.2), dbSNP rs1375178645, ClinGen allele CA396452179.

ClinVar aggregate classification (germline): Uncertain significance (1 of 4 stars; one submission).

gnomAD v4.1: 1 of 1,550,780 alleles (0.000064%); no homozygotes.

Submission:

GeneDx
Classification: Uncertain significance. Last evaluated: 2020-01-23. Review status: criteria provided, single submitter. Criteria: GeneDx Variant Classification Process June 2021. Collection method: clinical testing. Allele origin: germline. Affected: yes.
Comment: In silico analysis, which includes protein predictors and evolutionary conservation, supports that this variant does not alter protein structure/function; Has not been previously published as pathogenic or benign to our knowledge; This variant is associated with the following publications: (PMID: 28522256)